The following is an entry in ClinVar:

ClinVar aggregate classification (germline): Uncertain significance (1 of 4 stars; one submission).

Conditions:
Inborn genetic diseases. Identifiers: MedGen C0950123, MeSH D030342.

Submission:

Ambry Genetics
Classification: Uncertain significance for Inborn genetic diseases. Last evaluated: 2026-06-28. Review status: criteria provided, single submitter. Criteria: Ambry Variant Classification Scheme 2023. Collection method: clinical testing. Allele origin: germline.
Comment: The p.E318Q variant (also known as c.952G>C), located in coding exon 7 of the BMPR2 gene, results from a G to C substitution at nucleotide position 952. The glutamic acid at codon 318 is replaced by glutamine, an amino acid with highly similar properties. This amino acid position is conserved. In addition, the in silico prediction for this alteration is inconclusive. Based on the available evidence, the clinical significance of this variant remains unclear.

NM_001204.7(BMPR2):c.952G>C (p.Glu318Gln)

Gene: BMPR2 (bone morphogenetic protein receptor type 2; plus strand). Cytogenetic location: 2q33.2.
Variant type: single nucleotide variant.
Coding change: c.952G>C on transcript NM_001204.7 (MANE Select); coding-DNA position 952, G replaced by C.
Protein change: p.Glu318Gln; replaces glutamic acid 318 with glutamine.
Molecular consequence: missense variant.
Genome position (GRCh38, 1-based): chr2:202,520,186, G>C. VCF-style: chr2-202520186-G-C. GRCh37 (hg19) VCF-style: chr2-203384909-G-C.
Other names: short protein forms E318Q.
Identifiers: ClinVar variation 5033069 (VCV005033069.1).
Genomic context (GRCh38, chr2:202,520,186, plus strand): 5'-TGGGTAAGCTCTTGCCGTCTTGCTCATTCTGTTACTAGAGGACTGGCTTATCTTCACACA[G>C]AATTACCACGAGGAGGTAAGATAGTCAATAGATGAAATTGACACTCATGTGGGTTCAAAA-3'
Protein context (NP_001195.2, residues 308-328): VTRGLAYLHT[Glu318Gln]LPRGDHYKPA